The following is an entry in ClinVar:

NM_172364.5(CACNA2D4):c.2859C>G (p.Pro953=)

Gene: CACNA2D4 (calcium voltage-gated channel auxiliary subunit alpha2delta 4; minus strand). Cytogenetic location: 12p13.33.
Variant type: single nucleotide variant.
Coding change: c.2859C>G on transcript NM_172364.5 (MANE Select); coding-DNA position 2859, C replaced by G.
Protein change: p.Pro953=; no amino-acid change (proline 953 retained).
Molecular consequence: synonymous variant.
Genome position (GRCh38, 1-based): chr12:1,801,052, G>C on the plus strand (C>G on the coding strand, the complement: CACNA2D4 is on the minus strand). VCF-style: chr12-1801052-G-C. GRCh37 (hg19) VCF-style: chr12-1910218-G-C.
Identifiers: ClinVar variation 4085666 (VCV004085666.8).

ClinVar aggregate classification (germline): Likely benign (1 of 4 stars; one submission).

Submission:

CeGaT Center for Human Genetics Tuebingen
Classification: Likely benign. Last evaluated: 2025-08-01. Review status: criteria provided, single submitter. Criteria: CeGaT Center For Human Genetics Tuebingen Variant Classification Criteria Version 2. Collection method: clinical testing. Allele origin: germline. Affected: yes. Observed: 1 variant allele.
Comment: CACNA2D4: PM2:Supporting, BP4, BP7